The following is an entry in ClinVar:

NM_015909.4(NBAS):c.6213A>G (p.Ala2071=)

Gene: NBAS (NBAS subunit of NRZ tethering complex; minus strand). Cytogenetic location: 2p24.3.
Variant type: single nucleotide variant.
Coding change: c.6213A>G on transcript NM_015909.4 (MANE Select); coding-DNA position 6213, A replaced by G.
Protein change: p.Ala2071=; no amino-acid change (alanine 2071 retained).
Molecular consequence: synonymous variant. On other transcripts: non-coding transcript variant (1).
Genome position (GRCh38, 1-based): chr2:15,232,445, T>C on the plus strand (A>G on the coding strand, the complement: NBAS is on the minus strand). VCF-style: chr2-15232445-T-C. GRCh37 (hg19) VCF-style: chr2-15372569-T-C.
Other names: c.6213A>G (NM_015909.3).
Identifiers: ClinVar variation 1635903 (VCV001635903.9), dbSNP rs201498836, ClinGen allele CA1535089.

ClinVar aggregate classification (germline): Likely benign. Review status: criteria provided, multiple submitters, no conflicts (2 of 4 stars). 2 submissions from 2 submitters: Likely benign (2). Last evaluated 2025-12-28.

Conditions:
NBAS-related disorder. Also called: NBAS-related condition.

Allele frequency attached by ClinVar (database versions not stated): gnomAD exomes 0.00002 and 0.00013; gnomAD 0.00004 and 0.00007; TOPMed 0.00006; ExAC 0.00013; 1000 Genomes Project 0.00040; 1000 Genomes Project 30x 0.00047.
gnomAD v4.1: 46 of 1,614,170 alleles (0.0028%); highest among the groups gnomAD compares: East Asian, 0.08%; no homozygotes.

Submissions (2):

Labcorp Genetics (formerly Invitae), Labcorp
Classification: Likely benign. Last evaluated: 2025-12-28. Review status: criteria provided, single submitter. Criteria: Invitae Variant Classification Sherloc (09022015). Collection method: clinical testing. Allele origin: germline.

PreventionGenetics, part of Exact Sciences
Classification: Likely benign for NBAS-related condition. Last evaluated: 2025-03-24. Review status: criteria provided, single submitter. Criteria: ACMG Guidelines, 2015. Collection method: clinical testing. Allele origin: germline.
Comment: This variant is classified as likely benign based on ACMG/AMP sequence variant interpretation guidelines (Richards et al. 2015 PMID: 25741868, with internal and published modifications).